The following is an entry in ClinVar:

ClinVar aggregate classification (germline): Pathogenic (1 of 4 stars; one submission).

Conditions:
Early-infantile DEE. Also called: Early infantile epileptic encephalopathy; Ohtahara syndrome; Early infantile epileptic encephalopathy with suppression bursts. Identifiers: Orphanet 1934, MedGen C0393706, MONDO:0800491.

Submission:

Labcorp Genetics (formerly Invitae), Labcorp
Classification: Pathogenic for Early-infantile DEE. Last evaluated: 2023-11-13. Review status: criteria provided, single submitter. Criteria: Invitae Variant Classification Sherloc (09022015). Collection method: clinical testing. Allele origin: germline.
Comment: This sequence change replaces isoleucine, which is neutral and non-polar, with phenylalanine, which is neutral and non-polar, at codon 173 of the SCN1A protein (p.Ile173Phe). This variant is not present in population databases (gnomAD no frequency). This missense change has been observed in individual(s) with clinical features of SCN1A-related conditions (Invitae). In at least one individual the variant was observed to be de novo. ClinVar contains an entry for this variant (Variation ID: 2065528). Advanced modeling of protein sequence and biophysical properties (such as structural, functional, and spatial information, amino acid conservation, physicochemical variation, residue mobility, and thermodynamic stability) performed at Invitae indicates that this missense variant is expected to disrupt SCN1A protein function with a positive predictive value of 95%. For these reasons, this variant has been classified as Pathogenic.

NM_001165963.4(SCN1A):c.517A>T (p.Ile173Phe)

Gene: SCN1A (sodium voltage-gated channel alpha subunit 1; minus strand). Cytogenetic location: 2q24.3.
Variant type: single nucleotide variant.
Coding change: c.517A>T on transcript NM_001165963.4 (MANE Select); coding-DNA position 517, A replaced by T.
Protein change: p.Ile173Phe; replaces isoleucine 173 with phenylalanine.
Molecular consequence: missense variant. On other transcripts: 5 prime UTR variant (1), non-coding transcript variant (1).
Genome position (GRCh38, 1-based): chr2:166,054,723, T>A on the plus strand (A>T on the coding strand, the complement: SCN1A is on the minus strand). VCF-style: chr2-166054723-T-A. GRCh37 (hg19) VCF-style: chr2-166911233-T-A.
Other names: c.517A>T, p.Ile173Phe (NM_001165964.3, NM_001202435.3, NM_001353948.2 and 10 more transcripts); c.-1909A>T (NM_001353961.2); short protein forms I173F.
Identifiers: ClinVar variation 2065528 (VCV002065528.4), dbSNP rs2468247392, ClinGen allele CA349075580.